The following is an entry in ClinVar:

NM_001854.4(COL11A1):c.2824_2825delinsAC (p.Asp942Thr)

Gene: COL11A1 (collagen type XI alpha 1 chain; minus strand). Cytogenetic location: 1p21.1.
Variant type: Indel.
Coding change: c.2824_2825delinsAC on transcript NM_001854.4 (MANE Select); coding-DNA positions 2824 to 2825, GA replaced by AC.
Protein change: p.Asp942Thr; replaces aspartic acid 942 with threonine.
Molecular consequence: missense variant. On other transcripts: non-coding transcript variant (1).
Genome position (GRCh38, 1-based): chr1:102,970,256-102,970,257, TC replaced by GT on the plus strand (GA replaced by AC on the coding strand, the reverse complement: COL11A1 is on the minus strand). VCF-style: chr1-102970256-TC-GT. GRCh37 (hg19) VCF-style: chr1-103435812-TC-GT.
Other names: c.2707_2708delinsAC, p.Asp903Thr (NM_001190709.2); c.2860_2861delinsAC, p.Asp954Thr (NM_080629.3); c.2476_2477delinsAC, p.Asp826Thr (NM_080630.4); short protein forms D826T, D903T, D942T, D954T.
Identifiers: ClinVar variation 4727684 (VCV004727684.1).

ClinVar aggregate classification (germline): Uncertain significance (1 of 4 stars; one submission).

Submission:

Labcorp Genetics (formerly Invitae), Labcorp
Classification: Uncertain significance. Last evaluated: 2025-09-23. Review status: criteria provided, single submitter. Criteria: Invitae Variant Classification Sherloc (09022015). Collection method: clinical testing. Allele origin: germline.
Comment: This sequence change replaces aspartic acid, which is acidic and polar, with threonine, which is neutral and polar, at codon 942 of the COL11A1 protein (p.Asp942Thr). Information on the frequency of this variant in the gnomAD database is not available, as this variant may be reported differently in the database. This variant has not been reported in the literature in individuals affected with COL11A1-related conditions. Experimental studies and prediction algorithms are not available or were not evaluated, and the functional significance of this variant is currently unknown. In summary, the available evidence is currently insufficient to determine the role of this variant in disease. Therefore, it has been classified as a Variant of Uncertain Significance.